The following is an entry in ClinVar:

ClinVar aggregate classification (germline): Uncertain significance (1 of 4 stars; one submission).

Submission:

GeneDx
Classification: Uncertain significance. Last evaluated: 2024-10-13. Review status: criteria provided, single submitter. Criteria: GeneDx Variant Classification Process June 2021. Collection method: clinical testing. Allele origin: germline. Affected: yes.
Comment: Not observed at significant frequency in large population cohorts (gnomAD); In silico analysis supports that this missense variant has a deleterious effect on protein structure/function; Has not been previously published as pathogenic or benign to our knowledge

NM_002911.4(UPF1):c.707G>T (p.Arg236Leu)

Gene: UPF1 (UPF1 RNA helicase and ATPase; plus strand). Cytogenetic location: 19p13.11.
Variant type: single nucleotide variant.
Coding change: c.707G>T on transcript NM_002911.4 (MANE Select); coding-DNA position 707, G replaced by T.
Protein change: p.Arg236Leu; replaces arginine 236 with leucine.
Molecular consequence: missense variant.
Genome position (GRCh38, 1-based): chr19:18,850,765, G>T. VCF-style: chr19-18850765-G-T. GRCh37 (hg19) VCF-style: chr19-18961574-G-T.
Other names: c.707G>T, p.Arg236Leu (NM_001297549.2); short protein forms R236L.
Identifiers: ClinVar variation 3781135 (VCV003781135.1).
Genomic context (GRCh38, chr19:18,850,765, plus strand): 5'-AGAGCAGCCTCAAGGACATCAACTGGGACAGCTCGCAGTGGCAGCCGCTGATCCAGGACC[G>T]CTGCTTCCTGTCCTGGCTGGTCAAGATCCCCTCCGAGCAGGAGCAGCTGCGGGCACGCCA-3'
Protein context (NP_002902.2, residues 226-246): SSQWQPLIQD[Arg236Leu]CFLSWLVKIP